The following is an entry in ClinVar:

NM_152703.5(SAMD9L):c.1618A>G (p.Arg540Gly)

Gene: SAMD9L (sterile alpha motif domain containing 9 like; minus strand). Cytogenetic location: 7q21.2.
Variant type: single nucleotide variant.
Coding change: c.1618A>G on transcript NM_152703.5 (MANE Select); coding-DNA position 1618, A replaced by G.
Protein change: p.Arg540Gly; replaces arginine 540 with glycine.
Molecular consequence: missense variant.
Genome position (GRCh38, 1-based): chr7:93,134,354, T>C on the plus strand (A>G on the coding strand, the complement: SAMD9L is on the minus strand). VCF-style: chr7-93134354-T-C. GRCh37 (hg19) VCF-style: chr7-92763667-T-C.
Other names: c.1618A>G, p.Arg540Gly (NM_001303496.3, NM_001303497.3, NM_001303498.3 and 5 more transcripts); short protein forms R540G.
Identifiers: ClinVar variation 4056350 (VCV004056350.1).

ClinVar aggregate classification (germline): Likely pathogenic (0 of 4 stars; one submission).

Conditions:
Spinocerebellar ataxia 49 (SCA49). Identifiers: Orphanet 631106, MedGen C5676950, MONDO:0030805, OMIM 619806.

Submission:

Laboratorio de Genética, Hospital Universitario Reina Sofía
Classification: Likely pathogenic for Spinocerebellar ataxia 49. Review status: no assertion criteria provided. Collection method: clinical testing. Allele origin: germline. Inheritance: Autosomal dominant inheritance. Affected: yes. Clinical features observed: Juvenile onset (HP:0003621), Strabismus (HP:0000486), Gaze-evoked nystagmus (HP:0000640), Ataxia (HP:0001251).
Comment: This variant was detected in two affected siblings, both evaluated in our clinical laboratory and diagnosed with spinocerebellar ataxia.